The following is an entry in ClinVar:

ClinVar aggregate classification (germline): Uncertain significance. Review status: criteria provided, multiple submitters, no conflicts (2 of 4 stars). 2 submissions from 2 submitters: Uncertain significance (2). Last evaluated 2024-02-10.

Conditions:
Malignant hyperthermia, susceptibility to, 5 (MHS5). Also called: CACNA1S-Related Malignant Hyperthermia Susceptibility. Identifiers: Orphanet 423, MedGen C1866077, MONDO:0011163, OMIM 601887.
Hypokalemic periodic paralysis, type 1. Also called: HypoPP; Hypokalemic Periodic Paralysis Type 1 (AD). Identifiers: Orphanet 681, MedGen C3714580, MONDO:0042979, OMIM 170400.
Congenital myopathy 18. Also called: DIHYDROPYRIDINE RECEPTOR CONGENITAL MYOPATHY; DHPR CONGENITAL MYOPATHY; Myopathy, congenital, due to dihydropyridine receptor defect. Identifiers: MedGen C5830283, MONDO:0859514, OMIM 620246.
Thyrotoxic periodic paralysis, susceptibility to, 1 (TTPP1). Identifiers: Orphanet 79102, MedGen C2749982, MONDO:0008570, OMIM 188580.

Allele frequency attached by ClinVar (database versions not stated): TOPMed 0.00002.

Submissions (2):

Fulgent Genetics
Classification: Uncertain significance for Hypokalemic periodic paralysis, type 1; Thyrotoxic periodic paralysis, susceptibility to, 1; Malignant hyperthermia, susceptibility to, 5; Congenital myopathy 18. Last evaluated: 2024-02-10. Review status: criteria provided, single submitter. Criteria: ACMG Guidelines, 2015. Collection method: clinical testing. Allele origin: germline.

Labcorp Genetics (formerly Invitae), Labcorp
Classification: Uncertain significance for Hypokalemic periodic paralysis, type 1; Malignant hyperthermia, susceptibility to, 5. Last evaluated: 2022-10-28. Review status: criteria provided, single submitter. Criteria: Invitae Variant Classification Sherloc (09022015). Collection method: clinical testing. Allele origin: germline.
Comment: In summary, the available evidence is currently insufficient to determine the role of this variant in disease. Therefore, it has been classified as a Variant of Uncertain Significance. Advanced modeling of protein sequence and biophysical properties (such as structural, functional, and spatial information, amino acid conservation, physicochemical variation, residue mobility, and thermodynamic stability) performed at Invitae indicates that this missense variant is not expected to disrupt CACNA1S protein function. This variant has not been reported in the literature in individuals affected with CACNA1S-related conditions. This variant is not present in population databases (gnomAD no frequency). This sequence change replaces lysine, which is basic and polar, with asparagine, which is neutral and polar, at codon 406 of the CACNA1S protein (p.Lys406Asn).

NM_000069.3(CACNA1S):c.1218A>T (p.Lys406Asn)

Gene: CACNA1S (calcium voltage-gated channel subunit alpha1 S; minus strand). Cytogenetic location: 1q32.1.
Variant type: single nucleotide variant.
Coding change: c.1218A>T on transcript NM_000069.3 (MANE Select); coding-DNA position 1218, A replaced by T.
Protein change: p.Lys406Asn; replaces lysine 406 with asparagine.
Molecular consequence: missense variant.
Genome position (GRCh38, 1-based): chr1:201,084,964, T>A on the plus strand (A>T on the coding strand, the complement: CACNA1S is on the minus strand). VCF-style: chr1-201084964-T-A. GRCh37 (hg19) VCF-style: chr1-201054092-T-A.
Other names: short protein forms K406N.
Identifiers: ClinVar variation 2941077 (VCV002941077.4), dbSNP rs1469054145, ClinGen allele CA344127708.
Genomic context (GRCh38, chr1:201,084,964, plus strand): 5'-GGGAGCTGGGGGTTGGGGGTTCCTGGGGCAGTGGGCAGATACTCACATGAACTGGATGAT[T>A]TTGTTCAAGCCTGCAATTTCATACAGGCTCTCTGTGTCAGAGCCACCTTCATCCAAAGAC-3'
Protein context (NP_000060.2, residues 396-416): ESLYEIAGLN[Lys406Asn]IIQFIRHWRQ